The following is an entry in ClinVar:

NM_004793.4(LONP1):c.1637G>A (p.Arg546His)

Gene: LONP1 (lon peptidase 1, mitochondrial; minus strand). Cytogenetic location: 19p13.3.
Variant type: single nucleotide variant.
Coding change: c.1637G>A on transcript NM_004793.4 (MANE Select); coding-DNA position 1637, G replaced by A.
Protein change: p.Arg546His; replaces arginine 546 with histidine.
Molecular consequence: missense variant. On other transcripts: non-coding transcript variant (1).
Genome position (GRCh38, 1-based): chr19:5,699,075, C>T on the plus strand (G>A on the coding strand, the complement: LONP1 is on the minus strand). VCF-style: chr19-5699075-C-T. GRCh37 (hg19) VCF-style: chr19-5699086-C-T.
Other names: c.1637G>A (NM_004793.2); c.1445G>A, p.Arg482His (NM_001276479.2); c.1049G>A, p.Arg350His (NM_001276480.1); short protein forms R546H, R350H, R482H.
Identifiers: ClinVar variation 1406943 (VCV001406943.9), dbSNP rs148761187, ClinGen allele CA9114604.
Genomic context (GRCh38, chr19:5,699,075, plus strand): 5'-GGCCAGGCCTACCTGTGGCCCTTGATCTCAGCCACGTCAGTCATGCCCCCGACGCTGAAG[C>T]GGAAGTACTCTCGGTTCAGGGCGCGGGCGATGGAGCGAGCAATGCTGGTCTTACCCACGC-3'
Protein context (NP_004784.2, residues 536-556): IARALNREYF[Arg546His]FSVGGMTDVA

ClinVar aggregate classification (germline): Uncertain significance. Review status: criteria provided, multiple submitters, no conflicts (2 of 4 stars). 2 submissions from 2 submitters: Uncertain significance (2). Last evaluated 2023-09-12.

Conditions:
Inborn genetic diseases. Identifiers: MedGen C0950123, MeSH D030342.

Allele frequency attached by ClinVar (database versions not stated): gnomAD 0.00001; ExAC 0.00002; gnomAD exomes 0.00002; TOPMed 0.00003; ESP Exome Variant Server 0.00008.
gnomAD v4.1: 58 of 1,608,416 alleles (0.0036%); highest among the groups gnomAD compares: Non-Finnish European, 0.0046%; no homozygotes.

Submissions (2):

Ambry Genetics
Classification: Uncertain significance for Inborn genetic diseases. Last evaluated: 2023-09-12. Review status: criteria provided, single submitter. Criteria: Ambry Variant Classification Scheme 2023. Collection method: clinical testing. Allele origin: germline.

Labcorp Genetics (formerly Invitae), Labcorp
Classification: Uncertain significance. Last evaluated: 2022-08-16. Review status: criteria provided, single submitter. Criteria: Invitae Variant Classification Sherloc (09022015). Collection method: clinical testing. Allele origin: germline.
Comment: In summary, the available evidence is currently insufficient to determine the role of this variant in disease. Therefore, it has been classified as a Variant of Uncertain Significance. Algorithms developed to predict the effect of missense changes on protein structure and function are either unavailable or do not agree on the potential impact of this missense change (SIFT: "Deleterious"; PolyPhen-2: "Possibly Damaging"; Align-GVGD: "Class C0"). ClinVar contains an entry for this variant (Variation ID: 1406943). This variant has not been reported in the literature in individuals affected with LONP1-related conditions. This variant is present in population databases (rs148761187, gnomAD 0.004%). This sequence change replaces arginine, which is basic and polar, with histidine, which is basic and polar, at codon 546 of the LONP1 protein (p.Arg546His).